The following is an entry in ClinVar:

NM_001367949.2(FAT3):c.6304C>T (p.Leu2102=)

Gene: FAT3 (FAT atypical cadherin 3; plus strand). Cytogenetic location: 11q14.3.
Variant type: single nucleotide variant.
Coding change: c.6304C>T on transcript NM_001367949.2 (MANE Select); coding-DNA position 6304, C replaced by T.
Protein change: p.Leu2102=; no amino-acid change (leucine 2102 retained).
Molecular consequence: synonymous variant.
Genome position (GRCh38, 1-based): chr11:92,799,317, C>T. VCF-style: chr11-92799317-C-T. GRCh37 (hg19) VCF-style: chr11-92532483-C-T.
Other names: c.6304C>T, p.Leu2102= (NM_001008781.3).
Identifiers: ClinVar variation 3045907 (VCV003045907.2), dbSNP rs114771256, ClinGen allele CA6227275.
Genomic context (GRCh38, chr11:92,799,317, plus strand): 5'-CCAGTCTTTGTGGGCCTCCCATACTATGCTGCTGTTCAAGTGGATGCGGAACCCGGGACT[C>T]TGATTTATCAGGTGACAGCCATTGACAAAGATAAAGGTCCAAATGGAGAAGTGACCTATG-3'
Protein context (NP_001354878.1, residues 2092-2112): AVQVDAEPGT[Leu2102=]IYQVTAIDKD

ClinVar aggregate classification (germline): Benign (0 of 4 stars; one submission).

Conditions:
FAT3-related disorder. Also called: FAT3-related condition.

Allele frequency attached by ClinVar (database versions not stated): gnomAD exomes 0.00033; ExAC 0.00106; 1000 Genomes Project 0.00300; 1000 Genomes Project 30x 0.00328; gnomAD 0.00343; ESP Exome Variant Server 0.00348; TOPMed 0.00392.
gnomAD v4.1: 1,029 of 1,613,882 alleles (0.064%); highest among the groups gnomAD compares: African/African-American, 1.2%; 4 homozygotes.

Submission:

PreventionGenetics, part of Exact Sciences
Classification: Benign for FAT3-related condition. Last evaluated: 2019-11-06. Review status: no assertion criteria provided. Collection method: clinical testing. Allele origin: germline.
Comment: This variant is classified as benign based on ACMG/AMP sequence variant interpretation guidelines (Richards et al. 2015 PMID: 25741868, with internal and published modifications).